The following is an entry in ClinVar:

ClinVar aggregate classification (germline): Conflicting classifications of pathogenicity. Review status: criteria provided, conflicting classifications (1 of 4 stars). 6 submissions from 6 submitters: Uncertain significance (5); Likely benign (1). Last evaluated 2024-02-18.

Conditions:
Hereditary cancer-predisposing syndrome. Also called: Hereditary neoplastic syndrome; Neoplastic Syndromes, Hereditary; Hereditary Cancer Syndrome; Tumor predisposition. Identifiers: Orphanet 140162, MedGen C0027672, MeSH D009386, MONDO:0015356.
Tuberous sclerosis 1 (TSC1). Identifiers: Orphanet 805, MedGen C1854465, MONDO:0008612, OMIM 191100.
Tuberous sclerosis syndrome (TSC). Also called: Tuberous sclerosis; Tuberous Sclerosis Complex. Identifiers: Orphanet 805, MedGen C0041341, MONDO:0001734.

Allele frequency attached by ClinVar (database versions not stated): gnomAD 0.00001.

Submissions (6):

GeneDx
Classification: Uncertain significance. Last evaluated: 2024-02-18. Review status: criteria provided, single submitter. Criteria: GeneDx Variant Classification Process June 2021. Collection method: clinical testing. Allele origin: germline. Affected: yes.
Comment: Not observed at significant frequency in large population cohorts (gnomAD); In silico analysis supports that this missense variant does not alter protein structure/function; Has not been previously published as pathogenic or benign to our knowledge

All of Us Research Program, National Institutes of Health
Classification: Uncertain significance for Tuberous sclerosis syndrome. Last evaluated: 2024-02-05. Review status: criteria provided, single submitter. Criteria: ACMG Guidelines, 2015. Collection method: clinical testing. Allele origin: germline. Inheritance: Autosomal dominant inheritance. Observed: 2 variant alleles, 2 heterozygotes.
Comment: This missense variant replaces methionine with valine at codon 1004 of the TSC1 protein. Computational prediction suggests that this variant may not impact protein structure and function (internally defined REVEL score threshold <= 0.5, PMID: 27666373). To our knowledge, functional studies have not been reported for this variant. This variant has not been reported in individuals affected with TSC1-related disorders in the literature. This variant has not been identified in the general population by the Genome Aggregation Database (gnomAD). The available evidence is insufficient to determine the role of this variant in disease conclusively. Therefore, this variant is classified as a Variant of Uncertain Significance.

This study involves interpretation of variants in research participants for the purpose of population health screening. Participant phenotype was not available at the time of variant classification. Additional details can be found in publication PMID: 35346344, PMCID: PMC8962531

Labcorp Genetics (formerly Invitae), Labcorp
Classification: Uncertain significance for Tuberous sclerosis 1. Last evaluated: 2023-08-09. Review status: criteria provided, single submitter. Criteria: Invitae Variant Classification Sherloc (09022015). Collection method: clinical testing. Allele origin: germline.
Comment: ClinVar contains an entry for this variant (Variation ID: 571737). In summary, the available evidence is currently insufficient to determine the role of this variant in disease. Therefore, it has been classified as a Variant of Uncertain Significance. Advanced modeling of protein sequence and biophysical properties (such as structural, functional, and spatial information, amino acid conservation, physicochemical variation, residue mobility, and thermodynamic stability) performed at Invitae indicates that this missense variant is not expected to disrupt TSC1 protein function. This variant has not been reported in the literature in individuals affected with TSC1-related conditions. This variant is not present in population databases (gnomAD no frequency). This sequence change replaces methionine, which is neutral and non-polar, with valine, which is neutral and non-polar, at codon 1004 of the TSC1 protein (p.Met1004Val).

Ambry Genetics
Classification: Likely benign for Hereditary cancer-predisposing syndrome. Last evaluated: 2022-10-19. Review status: criteria provided, single submitter. Criteria: Ambry Variant Classification Scheme 2023. Collection method: clinical testing. Allele origin: germline.

Genome-Nilou Lab
Classification: Uncertain significance for Tuberous sclerosis 1. Last evaluated: 2021-11-07. Review status: criteria provided, single submitter. Criteria: ACMG Guidelines, 2015. Collection method: clinical testing. Allele origin: germline. Affected: no.

Institute for Clinical Genetics, University Hospital TU Dresden, University Hospital TU Dresden
Classification: Uncertain significance. Last evaluated: 2021-11-03. Review status: criteria provided, single submitter. Criteria: ACMG Guidelines, 2015. Collection method: clinical testing. Allele origin: germline.

NM_000368.5(TSC1):c.3010A>G (p.Met1004Val)

Gene: TSC1 (TSC complex subunit 1; minus strand). Cytogenetic location: 9q34.13.
Variant type: single nucleotide variant.
Coding change: c.3010A>G on transcript NM_000368.5 (MANE Select); coding-DNA position 3010, A replaced by G.
Protein change: p.Met1004Val; replaces methionine 1004 with valine.
Molecular consequence: missense variant.
Genome position (GRCh38, 1-based): chr9:132,896,720, T>C on the plus strand (A>G on the coding strand, the complement: TSC1 is on the minus strand). VCF-style: chr9-132896720-T-C. GRCh37 (hg19) VCF-style: chr9-135772107-T-C.
Other names: c.3007A>G, p.Met1003Val (NM_001162426.2); c.2857A>G, p.Met953Val (NM_001162427.2); c.2647A>G, p.Met883Val (NM_001362177.2); short protein forms M1004V, M883V, M1003V, M953V.
Identifiers: ClinVar variation 571737 (VCV000571737.19), dbSNP rs371879917, ClinGen allele CA375367929.